The following is an entry in ClinVar:

ClinVar aggregate classification (germline): Uncertain significance (1 of 4 stars; one submission).

Conditions:
PLXNA4-related disorder. Also called: PLXNA4-related condition.

Submission:

PreventionGenetics, part of Exact Sciences
Classification: Uncertain significance for PLXNA4-related condition. Last evaluated: 2026-03-04. Review status: criteria provided, single submitter. Criteria: ACMG Guidelines, 2015. Collection method: clinical testing. Allele origin: germline.
Comment: The PLXNA4 c.1667A>G variant is predicted to result in the amino acid substitution p.Lys556Arg. To our knowledge, this variant has not been reported in the literature or in a large population database (gnomAD), indicating this variant is rare. At this time, the clinical significance of this variant is uncertain due to the absence of conclusive functional and genetic evidence.

NM_020911.2(PLXNA4):c.1667A>G (p.Lys556Arg)

Gene: PLXNA4 (plexin A4; minus strand). Cytogenetic location: 7q32.3.
Variant type: single nucleotide variant.
Coding change: c.1667A>G on transcript NM_020911.2 (MANE Select); coding-DNA position 1667, A replaced by G.
Protein change: p.Lys556Arg; replaces lysine 556 with arginine.
Molecular consequence: missense variant.
Genome position (GRCh38, 1-based): chr7:132,228,407, T>C on the plus strand (A>G on the coding strand, the complement: PLXNA4 is on the minus strand). VCF-style: chr7-132228407-T-C. GRCh37 (hg19) VCF-style: chr7-131913166-T-C.
Other names: c.1667A>G, p.Lys556Arg (NM_001393897.1); short protein forms K556R.
Identifiers: ClinVar variation 4996055 (VCV004996055.1).